The following is an entry in ClinVar:

ClinVar aggregate classification (germline): Uncertain significance (1 of 4 stars; one submission).

Conditions:
Cardiomyopathy (CMYO). Also called: Cardiomyopathies. Identifiers: Orphanet 167848, MedGen C0878544, MONDO:0004994, HP:0001638. Inheritance: Various modes of inheritance.

Submission:

Color Diagnostics, LLC DBA Color Health
Classification: Uncertain significance for Cardiomyopathy. Last evaluated: 2025-09-15. Review status: criteria provided, single submitter. Criteria: ACMG Guidelines, 2015. Collection method: clinical testing. Allele origin: germline.
Comment: This variant results in the duplication of glutamic acid at codon 5 in the MYH7 protein. To our knowledge, functional studies have not been reported for this variant. This variant has not been reported in individuals affected with MYH7-related disorders in the literature. This variant has not been identified in the general population by the Genome Aggregation Database (gnomAD). The available evidence is insufficient to determine the role of this variant in disease conclusively. Therefore, this variant is classified as a Variant of Uncertain Significance.

NM_000257.4(MYH7):c.13_15dup (p.Glu5_Met6insGlu)

Gene: MYH7 (myosin heavy chain 7; minus strand). Cytogenetic location: 14q11.2.
Variant type: Duplication.
Coding change: c.13_15dup on transcript NM_000257.4 (MANE Select); coding-DNA positions 13 to 15, 3 bases duplicated (GAG; older notation c.13_15dupGAG).
Protein change: p.Glu5_Met6insGlu.
Molecular consequence: inframe insertion.
Genome position (GRCh38, 1-based): chr14:23,433,718-23,433,720, CTC duplicated on the plus strand (GAG on the coding strand, the reverse complement: MYH7 is on the minus strand); duplicating any 3 consecutive bases within chr14:23,433,718-23,433,721 gives the same sequence; the c. name uses the placement nearest the transcript's 3' end. VCF-style (leftmost placement, unchanged base first): chr14-23433717-T-TCTC. GRCh37 (hg19) VCF-style: chr14-23902926-T-TCTC.
Other names: c.13_15dup, p.Glu5_Met6insGlu (NM_001407004.1).
Identifiers: ClinVar variation 4756397 (VCV004756397.1).